The following is an entry in ClinVar:

NM_145698.5(ACBD5):c.1105A>T (p.Lys369Ter)

Gene: ACBD5 (acyl-CoA binding domain containing 5; minus strand). Cytogenetic location: 10p12.1.
Variant type: single nucleotide variant.
Coding change: c.1105A>T on transcript NM_145698.5 (MANE Select); coding-DNA position 1105, A replaced by T.
Protein change: p.Lys369Ter; replaces lysine 369 with a stop codon.
Molecular consequence: nonsense.
Genome position (GRCh38, 1-based): chr10:27,210,913, T>A on the plus strand (A>T on the coding strand, the complement: ACBD5 is on the minus strand). VCF-style: chr10-27210913-T-A. GRCh37 (hg19) VCF-style: chr10-27499842-T-A.
Other names: c.1000A>T, p.Lys334Ter (NM_001042473.4, NM_001352577.2, NM_001352578.2 and 1 more transcripts); c.1099A>T, p.Lys367Ter (NM_001271512.3); c.778A>T, p.Lys260Ter (NM_001301251.2, NM_001301252.2, NM_001301253.2 and 2 more transcripts); c.574A>T, p.Lys192Ter (NM_001301254.2); c.1159A>T, p.Lys387Ter (NM_001352568.1); c.1138A>T, p.Lys380Ter (NM_001352569.1); c.1105A>T, p.Lys369Ter (NM_001352570.1); c.1132A>T, p.Lys378Ter (NM_001352571.1); and 10 more; short protein forms K369*, K192*, K260*, K310*, K316*, K367*, K376*, K271*.
Identifiers: ClinVar variation 451186 (VCV000451186.2), dbSNP rs1554837576, ClinGen allele CA376373881.

ClinVar aggregate classification (germline): Likely pathogenic (1 of 4 stars; one submission).

Submission:

GeneDx
Classification: Likely pathogenic. Last evaluated: 2017-08-30. Review status: criteria provided, single submitter. Criteria: GeneDx Variant Classification (06012015). Collection method: clinical testing. Allele origin: germline. Affected: yes.
Comment: The K369X variant in the ACBD5 gene has not been reported previously as a pathogenic variant nor as a benign variant, to our knowledge. This variant is predicted to cause loss of normal protein function either through protein truncation or nonsense-mediated mRNA decay. The K369X variant is not observed in large population cohorts (Lek et al., 2016; 1000 Genomes Consortium et al., 2015; Exome Variant Server). We interpret K369X as a likely pathogenic variant.